The following is an entry in ClinVar:

NM_000489.6(ATRX):c.-21del

Genes: ATRX (ATRX chromatin remodeler; minus strand), LOC130068458 (ATAC-STARR-seq lymphoblastoid active region 29779; plus strand). Cytogenetic location: Xq21.1.
Variant type: Deletion.
Coding change: c.-21del on transcript NM_000489.6 (MANE Select); 21 bases upstream of the start codon, one base deleted (A; older notation c.-21delA).
Molecular consequence: 5 prime UTR variant.
Genome position (GRCh38, 1-based): chrX:77,786,022, T deleted on the plus strand (A on the coding strand, the reverse complement: ATRX is on the minus strand). VCF-style (leftmost placement, unchanged base first): chrX-77786021-GT-G. GRCh37 (hg19) VCF-style: chrX-77041507-GT-G.
Other names: c.-21delA (NM_000489.6); c.-21del (NM_138270.5).
Identifiers: ClinVar variation 4847403 (VCV004847403.1).

ClinVar aggregate classification (germline): Uncertain significance (1 of 4 stars; one submission).

Submission:

Women's Health and Genetics/Laboratory Corporation of America, LabCorp
Classification: Uncertain significance. Last evaluated: 2026-03-09. Review status: criteria provided, single submitter. Criteria: LabCorp Variant Classification Summary - May 2015. Collection method: clinical testing. Allele origin: germline.
Comment: Variant summary: ATRX c.-21delA is located in the untranslated mRNA region upstream of the initiation codon. The frequency data for this variant in gnomAD is considered unreliable, as metrics indicate poor data quality at this position. To our knowledge, no occurrence of c.-21delA in individuals affected with ATRX-related conditions and no experimental evidence demonstrating its impact on protein function have been reported. No submitters have cited clinical-significance assessments for this variant to ClinVar. Based on the evidence outlined above, the variant was classified as uncertain significance.